The following is an entry in ClinVar:

NM_000334.4(SCN4A):c.1988A>G (p.Gln663Arg)

Gene: SCN4A (sodium voltage-gated channel alpha subunit 4; minus strand). Cytogenetic location: 17q23.3.
Variant type: single nucleotide variant.
Coding change: c.1988A>G on transcript NM_000334.4 (MANE Select); coding-DNA position 1988, A replaced by G.
Protein change: p.Gln663Arg; replaces glutamine 663 with arginine.
Molecular consequence: missense variant.
Genome position (GRCh38, 1-based): chr17:63,959,296, T>C on the plus strand (A>G on the coding strand, the complement: SCN4A is on the minus strand). VCF-style: chr17-63959296-T-C. GRCh37 (hg19) VCF-style: chr17-62036656-T-C.
Other names: short protein forms Q663R.
Identifiers: ClinVar variation 1702769 (VCV001702769.2), dbSNP rs2144795520, ClinGen allele CA400631648.
Genomic context (GRCh38, chr17:63,959,296, plus strand): 5'-CAGCCCCTGGCCCTGGGGCTTTTGTGTACCAGACGGAAGGAGCGTAGCACAGACAGTCCC[T>C]GTACGTTGGCCAGGCCTAGCTCTACCAGGCTGAGGGTGACGATGATGCTGTCGAAGATAT-3'
Protein context (NP_000325.4, residues 653-673): SLVELGLANV[Gln663Arg]GLSVLRSFRL

ClinVar aggregate classification (germline): Uncertain significance (1 of 4 stars; one submission).

Submission:

GeneDx
Classification: Uncertain significance. Last evaluated: 2022-02-18. Review status: criteria provided, single submitter. Criteria: GeneDx Variant Classification Process June 2021. Collection method: clinical testing. Allele origin: germline. Affected: yes.
Comment: Not observed at significant frequency in large population cohorts (gnomAD); De novo variant with confirmed parentage; however, the reported clinical features are only partially consistent with the features typically observed in individuals with pathogenic variants in this gene; In silico analysis supports that this missense variant has a deleterious effect on protein structure/function; In silico analysis, which includes splice predictors and evolutionary conservation, suggests this variant may impact gene splicing. In the absence of RNA/functional studies, the actual effect of this sequence change is unknown.; Has not been previously published as pathogenic or benign to our knowledge